The following is an entry in ClinVar:

ClinVar aggregate classification (germline): Uncertain significance (1 of 4 stars; one submission).

Submission:

Labcorp Genetics (formerly Invitae), Labcorp
Classification: Uncertain significance. Last evaluated: 2022-08-19. Review status: criteria provided, single submitter. Criteria: Invitae Variant Classification Sherloc (09022015). Collection method: clinical testing. Allele origin: germline.
Comment: This variant, c.670_672del, results in the deletion of 1 amino acid(s) of the CEP152 protein (p.Gln224del), but otherwise preserves the integrity of the reading frame. This variant is present in population databases (rs764982977, gnomAD 0.003%). This variant has not been reported in the literature in individuals affected with CEP152-related conditions. Experimental studies and prediction algorithms are not available or were not evaluated, and the functional significance of this variant is currently unknown. In summary, the available evidence is currently insufficient to determine the role of this variant in disease. Therefore, it has been classified as a Variant of Uncertain Significance.

NM_001194998.2(CEP152):c.664CAA[2] (p.Gln224del)

Gene: CEP152 (centrosomal protein 152; minus strand). Cytogenetic location: 15q21.1.
Variant type: Microsatellite.
Coding change: c.664CAA[2] on transcript NM_001194998.2 (MANE Select); two copies in a row of the 3-base unit CAA starting at c.664; the reference has three copies in a row; one copy, 3 bases deleted.
Protein change: p.Gln224del; deletes glutamine 224.
Molecular consequence: inframe deletion.
Genome position (GRCh38, 1-based): chr15:48,796,029-48,796,031, TTG deleted on the plus strand (CAA on the coding strand, the reverse complement: CEP152 is on the minus strand); deleting any 3 consecutive bases within chr15:48,796,029-48,796,037 gives the same sequence; the position shown is the placement nearest the transcript's 3' end. VCF-style (leftmost placement, unchanged base first): chr15-48796028-ATTG-A. GRCh37 (hg19) VCF-style: chr15-49088225-ATTG-A.
Other names: c.664CAA[2], p.Gln224del (NM_014985.4); short protein forms Q224del.
Identifiers: ClinVar variation 1946501 (VCV001946501.2), dbSNP rs764982977, ClinGen allele CA7549067.